The following is an entry in ClinVar:

NM_022132.5(MCCC2):c.511+7dup

Gene: MCCC2 (methylcrotonyl-CoA carboxylase subunit 2; plus strand). Cytogenetic location: 5q13.2.
Variant type: Duplication.
Coding change: c.511+7dup on transcript NM_022132.5 (MANE Select); 7 bases into the intron after coding-DNA position 511, one base duplicated (C; older notation c.511+7dupC).
Molecular consequence: intron variant.
Genome position (GRCh38, 1-based): chr5:71,602,640, C duplicated. VCF-style (leftmost placement, unchanged base first): chr5-71602639-T-TC. GRCh37 (hg19) VCF-style: chr5-70898466-T-TC.
Other names: c.511+7dupC (NM_022132.5, NM_022132.4); c.511+7dup (NM_001363147.1).
Identifiers: ClinVar variation 467807 (VCV000467807.15), dbSNP rs200382661, ClinGen allele CA3297791.

ClinVar aggregate classification (germline): Benign/Likely benign. Review status: criteria provided, multiple submitters, no conflicts (2 of 4 stars). 4 submissions from 4 submitters: Benign (2); Likely benign (1). 1 of the submissions does not count toward it. Last evaluated 2026-02-04.

Conditions:
MCCC2-related disorder. Also called: MCCC2-related condition.
Methylcrotonyl-CoA carboxylase deficiency. Also called: 3 Methylcrotonylglycinuria; Deficiency of methylcrotonoyl-CoA carboxylase; 3-MCC Deficiency. Identifiers: Orphanet 6, MedGen C4551505, MONDO:0018950.
3-methylcrotonyl-CoA carboxylase 2 deficiency. Also called: METHYLCROTONYLGLYCINURIA, TYPE II; 3 alpha methylcrotonyl-CoA carboxylase 2 deficiency; 3 alpha methylcrotonylglycinuria 2; MCC 2 deficiency; Methylcrotonylglycinuria type 2. Identifiers: Orphanet 6, MedGen C1859499, MONDO:0008862, OMIM 210210.

Allele frequency attached by ClinVar (database versions not stated): gnomAD exomes 0.00046 and 0.00179; gnomAD 0.00068 and 0.00084; TOPMed 0.00103; ExAC 0.00174; 1000 Genomes Project 30x 0.00312; 1000 Genomes Project 0.00359.

Submissions (4):

Labcorp Genetics (formerly Invitae), Labcorp
Classification: Benign for 3-methylcrotonyl-CoA carboxylase 2 deficiency. Last evaluated: 2026-02-04. Review status: criteria provided, single submitter. Criteria: Invitae Variant Classification Sherloc (09022015). Collection method: clinical testing. Allele origin: germline.

PreventionGenetics, part of Exact Sciences
Classification: Likely benign for MCCC2-related condition. Last evaluated: 2025-12-08. Review status: criteria provided, single submitter. Criteria: ACMG Guidelines, 2015. Collection method: clinical testing. Allele origin: germline.
Comment: This variant is classified as likely benign based on ACMG/AMP sequence variant interpretation guidelines (Richards et al. 2015 PMID: 25741868, with internal and published modifications).

GeneDx
Classification: Benign. Last evaluated: 2017-05-25. Review status: criteria provided, single submitter. Criteria: GeneDx Variant Classification (06012015). Collection method: clinical testing. Allele origin: germline. Affected: yes.
Comment: This variant is considered likely benign or benign based on one or more of the following criteria: it is a conservative change, it occurs at a poorly conserved position in the protein, it is predicted to be benign by multiple in silico algorithms, and/or has population frequency not consistent with disease.

Natera, Inc.
Classification: Benign for 3-methylcrotonylglycinuria. Last evaluated: 2020-09-16. Review status: no assertion criteria provided. Collection method: clinical testing. Allele origin: germline. Not counted in ClinVar's aggregate classification.